The following is an entry in ClinVar:

NM_005633.4(SOS1):c.213+6A>G

Gene: SOS1 (SOS Ras/Rac guanine nucleotide exchange factor 1; minus strand). Cytogenetic location: 2p22.1.
Variant type: single nucleotide variant.
Coding change: c.213+6A>G on transcript NM_005633.4 (MANE Select); 6 bases into the intron after coding-DNA position 213, A replaced by G.
Molecular consequence: intron variant.
Genome position (GRCh38, 1-based): chr2:39,067,622, T>C on the plus strand (A>G on the coding strand, the complement: SOS1 is on the minus strand). VCF-style: chr2-39067622-T-C. GRCh37 (hg19) VCF-style: chr2-39294763-T-C.
Other names: c.192+6A>G (NM_001382394.1); c.213+6A>G (NM_001382395.1).
Identifiers: ClinVar variation 3730663 (VCV003730663.2).

ClinVar aggregate classification (germline): Uncertain significance (1 of 4 stars; one submission).

Conditions:
RASopathy. Also called: rasopathies; Noonan spectrum disorder. Identifiers: Orphanet 536391, MedGen C5555857, MONDO:0021060.

gnomAD v4.1: 6 of 1,612,716 alleles (0.00037%); highest among the groups gnomAD compares: East Asian, 0.013%; no homozygotes.

Submission:

Labcorp Genetics (formerly Invitae), Labcorp
Classification: Uncertain significance for RASopathy. Last evaluated: 2025-08-01. Review status: criteria provided, single submitter. Criteria: Invitae Variant Classification Sherloc (09022015). Collection method: clinical testing. Allele origin: germline.
Comment: This sequence change falls in intron 2 of the SOS1 gene. It does not directly change the encoded amino acid sequence of the SOS1 protein. It affects a nucleotide within the consensus splice site. This variant is present in population databases (rs188634936, gnomAD 0.02%). This variant has not been reported in the literature in individuals affected with SOS1-related conditions. ClinVar contains an entry for this variant (Variation ID: 3730663). Variants that disrupt the consensus splice site are a relatively common cause of aberrant splicing (PMID: 17576681, 9536098). Algorithms developed to predict the effect of sequence changes on RNA splicing suggest that this variant is not likely to affect RNA splicing. In summary, the available evidence is currently insufficient to determine the role of this variant in disease. Therefore, it has been classified as a Variant of Uncertain Significance.

Literature cited by the submitters: PubMed 17576681; PubMed 9536098.